The following is an entry in ClinVar:

ClinVar aggregate classification (germline): Likely benign. Review status: criteria provided, single submitter (1 of 4 stars). 2 submissions from 2 submitters: Likely benign (1). 1 of the submissions does not count toward it. Last evaluated 2024-11-27.

Conditions:
PKD1-related disorder. Also called: PKD1-related condition.

Allele frequency attached by ClinVar (database versions not stated): gnomAD 0.00005.
gnomAD v4.1: 72 of 1,610,376 alleles (0.0045%); highest among the groups gnomAD compares: South Asian, 0.013%; no homozygotes.

Submissions (2):

Blueprint Genetics
Classification: Likely benign. Last evaluated: 2024-11-27. Review status: criteria provided, single submitter. Criteria: ACMG Guidelines, 2015. Collection method: clinical testing. Allele origin: germline.

PreventionGenetics, part of Exact Sciences
Classification: Likely benign for PKD1-related condition. Last evaluated: 2024-02-28. Review status: no assertion criteria provided. Collection method: clinical testing. Allele origin: germline. Not counted in ClinVar's aggregate classification.
Comment: This variant is classified as likely benign based on ACMG/AMP sequence variant interpretation guidelines (Richards et al. 2015 PMID: 25741868, with internal and published modifications).

NM_001009944.3(PKD1):c.5244C>T (p.Val1748=)

Gene: PKD1 (polycystin 1, transient receptor potential channel interacting; minus strand). Cytogenetic location: 16p13.3.
Variant type: single nucleotide variant.
Coding change: c.5244C>T on transcript NM_001009944.3 (MANE Select); coding-DNA position 5244, C replaced by T.
Protein change: p.Val1748=; no amino-acid change (valine 1748 retained).
Molecular consequence: synonymous variant.
Genome position (GRCh38, 1-based): chr16:2,109,923, G>A on the plus strand (C>T on the coding strand, the complement: PKD1 is on the minus strand). VCF-style: chr16-2109923-G-A. GRCh37 (hg19) VCF-style: chr16-2159924-G-A.
Other names: c.5244C>T, p.Val1748= (NM_000296.4).
Identifiers: ClinVar variation 3058132 (VCV003058132.3), dbSNP rs752440626, ClinGen allele CA7832066.